The following is an entry in ClinVar:

NM_000169.3(GLA):c.927del (p.Leu310fs)

Genes: GLA (galactosidase alpha; minus strand), RPL36A-HNRNPH2 (RPL36A-HNRNPH2 readthrough; plus strand). Cytogenetic location: Xq22.1.
Variant type: Deletion.
Coding change: c.927del on transcript NM_000169.3 (MANE Select); coding-DNA position 927, one base deleted (T; older notation c.927delT).
Protein change: p.Leu310fs; shifts the reading frame from leucine 310.
Molecular consequence: frameshift variant. On other transcripts: non-coding transcript variant (3), intron variant (2).
Genome position (GRCh38, 1-based): chrX:101,398,442, A deleted on the plus strand (T on the coding strand, the reverse complement: GLA is on the minus strand). VCF-style (leftmost placement, unchanged base first): chrX-101398441-GA-G. GRCh37 (hg19) VCF-style: chrX-100653429-GA-G.
Other names: c.1050del, p.Leu351fs (NM_001406747.1); c.927del, p.Leu310fs (NM_001406748.1); c.300+2985del (NM_001199973.2); c.177+6620del (NM_001199974.2); short protein forms L310fs, L351fs.
Identifiers: ClinVar variation 4087026 (VCV004087026.2).

ClinVar aggregate classification (germline): Pathogenic (1 of 4 stars; one submission).

Conditions:
Fabry disease. Also called: ALPHA-GALACTOSIDASE A DEFICIENCY; ANDERSON-FABRY DISEASE; CERAMIDE TRIHEXOSIDASE DEFICIENCY; GLA DEFICIENCY; HEREDITARY DYSTOPIC LIPIDOSIS; Angiokeratoma corporis diffusum. Identifiers: Orphanet 324, MedGen C0002986, MONDO:0010526, OMIM 301500, HP:0001071. Disease mechanism: Fabry disease is due to inactivating mutations in the X-linked GLA gene resulting in deficiency of the enzyme Alpha Galactosidase-A., loss of function.

Submission:

Genomenon, Inc
Classification: Pathogenic for Fabry disease. Last evaluated: 2026-09-08. Review status: criteria provided, single submitter. Criteria: Genomenon Sequence Variant Interpretation Standards - Updated. Collection method: curation. Allele origin: germline. Affected: yes.
Comment: GLA p.Leu310SerfsTer7 (c.927del) is a frameshift variant that is predicted to introduce a premature termination codon and result in a truncated or absent protein product. This variant has been observed in at least one proband with clinical features consistent with Fabry disease (PMID:39609713). Functional or patient cell studies have been reported (PMID:39609713). It is absent or not present at a significant frequency in gnomAD. In conclusion, we classify GLA p.Leu310SerfsTer7 (c.927del) as a pathogenic variant.

Literature cited by the submitters: PubMed 39609713.